The following is an entry in ClinVar:

NM_001165963.4(SCN1A):c.5569G>A (p.Val1857Met)

Genes: SCN1A (sodium voltage-gated channel alpha subunit 1; minus strand), LOC102724058 (uncharacterized LOC102724058; plus strand). Cytogenetic location: 2q24.3.
Variant type: single nucleotide variant.
Coding change: c.5569G>A on transcript NM_001165963.4 (MANE Select); coding-DNA position 5569, G replaced by A.
Protein change: p.Val1857Met; replaces valine 1857 with methionine.
Molecular consequence: missense variant. On other transcripts: non-coding transcript variant (1).
Genome position (GRCh38, 1-based): chr2:165,991,706, C>T on the plus strand (G>A on the coding strand, the complement: SCN1A is on the minus strand). VCF-style: chr2-165991706-C-T. GRCh37 (hg19) VCF-style: chr2-166848216-C-T.
Other names: c.5485G>A, p.Val1829Met (NM_001165964.3, NM_001353957.2, NM_001353958.2); c.5569G>A, p.Val1857Met (NM_001202435.3, NM_001353948.2); c.5536G>A, p.Val1846Met (NM_001353949.2, NM_001353950.2, NM_001353951.2 and 2 more transcripts); c.5533G>A, p.Val1845Met (NM_001353954.2, NM_001353955.2); c.5482G>A, p.Val1828Met (NM_001353960.2); c.3127G>A, p.Val1043Met (NM_001353961.2); c.5569G>A (NM_001165963.1); short protein forms V1043M, V1828M, V1829M, V1845M, V1846M, V1857M.
Identifiers: ClinVar variation 3910127 (VCV003910127.2).

ClinVar aggregate classification (germline): Uncertain significance. Review status: criteria provided, multiple submitters, no conflicts (2 of 4 stars). 2 submissions from 2 submitters: Uncertain significance (2). Last evaluated 2025-02-19.

gnomAD v4.1: 1 of 1,613,920 alleles (0.000062%); no homozygotes.

Submissions (2):

GeneDx
Classification: Uncertain significance. Last evaluated: 2025-02-19. Review status: criteria provided, single submitter. Criteria: GeneDx Variant Classification Process June 2021. Collection method: clinical testing. Allele origin: germline. Affected: yes.
Comment: Not observed at significant frequency in large population cohorts (gnomAD); In silico analysis supports that this missense variant has a deleterious effect on protein structure/function; Has not been previously published as pathogenic or benign to our knowledge; This substitution is predicted to be within the C-terminal cytoplasmic domain

Laboratory of Genetics, Children's Clinical University Hospital Latvia
Classification: Uncertain significance. Last evaluated: 2025-02-16. Review status: criteria provided, single submitter. Criteria: ACMG Guidelines, 2015. Collection method: clinical testing. Allele origin: germline. Affected: yes.